The following is an entry in ClinVar:

NM_001267550.2(TTN):c.44549-268T>C

Gene: TTN (titin; minus strand). Cytogenetic location: 2q31.2.
Variant type: single nucleotide variant.
Coding change: c.44549-268T>C on transcript NM_001267550.2 (MANE Select); 268 bases into the intron before coding-DNA position 44549, T replaced by C.
Molecular consequence: intron variant.
Genome position (GRCh38, 1-based): chr2:178,624,999, A>G on the plus strand (T>C on the coding strand, the complement: TTN is on the minus strand). VCF-style: chr2-178624999-A-G. GRCh37 (hg19) VCF-style: chr2-179489726-A-G.
Other names: c.17354-268T>C (NM_003319.4); c.17930-268T>C (NM_133437.4); c.17729-268T>C (NM_133432.3); c.36845-268T>C (NM_133378.4); c.39626-268T>C (NM_001256850.1).
Identifiers: ClinVar variation 680848 (VCV000680848.1), dbSNP rs12614435, ClinGen allele CA60997173.

ClinVar aggregate classification (germline): Benign (1 of 4 stars; one submission).

Allele frequency attached by ClinVar (database versions not stated): gnomAD 0.18244 and 0.18691; TOPMed 0.19434; 1000 Genomes Project 30x 0.25468; 1000 Genomes Project 0.25819.
gnomAD v4.1: 28,681 of 151,940 alleles (19%); highest among the groups gnomAD compares: East Asian, 46%; 3,080 homozygotes.

Submission:

GeneDx
Classification: Benign. Last evaluated: 2018-06-14. Review status: criteria provided, single submitter. Criteria: GeneDx Variant Classification (06012015). Collection method: clinical testing. Allele origin: germline. Affected: yes.
Comment: This variant is considered likely benign or benign based on one or more of the following criteria: it is a conservative change, it occurs at a poorly conserved position in the protein, it is predicted to be benign by multiple in silico algorithms, and/or has population frequency not consistent with disease.